The following is an entry in ClinVar:

ClinVar aggregate classification (germline): Uncertain significance. Review status: criteria provided, multiple submitters, no conflicts (2 of 4 stars). 3 submissions from 3 submitters: Uncertain significance (3). Last evaluated 2025-10-12.

Conditions:
Inborn genetic diseases. Identifiers: MedGen C0950123, MeSH D030342.
Bethlem myopathy 1A. Also called: MYOPATHY, BENIGN CONGENITAL, WITH CONTRACTURES; Bethlem myopathy 1; Bethlem Muscular Dystrophy. Identifiers: Orphanet 610, MedGen CN029274, MONDO:0024530, OMIM 158810.

Allele frequency attached by ClinVar (database versions not stated): TOPMed 0.00001.

Submissions (3):

Mayo Clinic Laboratories, Mayo Clinic
Classification: Uncertain significance. Last evaluated: 2025-10-12. Review status: criteria provided, single submitter. Criteria: ACMG Guidelines, 2015. Collection method: clinical testing. Allele origin: germline. Observed: 1 variant allele.

Ambry Genetics
Classification: Uncertain significance for Inborn genetic diseases. Last evaluated: 2024-02-02. Review status: criteria provided, single submitter. Criteria: Ambry Variant Classification Scheme 2023. Collection method: clinical testing. Allele origin: germline.

Labcorp Genetics (formerly Invitae), Labcorp
Classification: Uncertain significance for Bethlem myopathy 1A. Last evaluated: 2023-12-30. Review status: criteria provided, single submitter. Criteria: Invitae Variant Classification Sherloc (09022015). Collection method: clinical testing. Allele origin: germline.
Comment: This sequence change replaces isoleucine, which is neutral and non-polar, with asparagine, which is neutral and polar, at codon 322 of the COL6A3 protein (p.Ile322Asn). This variant is not present in population databases (gnomAD no frequency). This variant has not been reported in the literature in individuals affected with COL6A3-related conditions. ClinVar contains an entry for this variant (Variation ID: 1516403). Advanced modeling of protein sequence and biophysical properties (such as structural, functional, and spatial information, amino acid conservation, physicochemical variation, residue mobility, and thermodynamic stability) performed at Invitae indicates that this missense variant is not expected to disrupt COL6A3 protein function with a negative predictive value of 95%. In summary, the available evidence is currently insufficient to determine the role of this variant in disease. Therefore, it has been classified as a Variant of Uncertain Significance.

NM_004369.4(COL6A3):c.965T>A (p.Ile322Asn)

Gene: COL6A3 (collagen type VI alpha 3 chain; minus strand). Cytogenetic location: 2q37.3.
Variant type: single nucleotide variant.
Coding change: c.965T>A on transcript NM_004369.4 (MANE Select); coding-DNA position 965, T replaced by A.
Protein change: p.Ile322Asn; replaces isoleucine 322 with asparagine.
Molecular consequence: missense variant. On other transcripts: intron variant (2).
Genome position (GRCh38, 1-based): chr2:237,387,929, A>T on the plus strand (T>A on the coding strand, the complement: COL6A3 is on the minus strand). VCF-style: chr2-237387929-A-T. GRCh37 (hg19) VCF-style: chr2-238296572-A-T.
Other names: p.Ile322Asn; c.347T>A, p.Ile116Asn (NM_057165.5, NM_057167.4); c.92-6430T>A (NM_057166.5, NM_057164.5); c.965T>A (NM_004369.3); short protein forms I116N, I322N.
Identifiers: ClinVar variation 1516403 (VCV001516403.8), dbSNP rs2078191004, ClinGen allele CA351222738.